The following is an entry in ClinVar:

NM_001375978.1(CHRM3):c.480_499del (p.Val161fs)

Gene: CHRM3 (cholinergic receptor muscarinic 3; plus strand). Cytogenetic location: 1q43.
Variant type: Deletion.
Coding change: c.480_499del on transcript NM_001375978.1 (MANE Select); coding-DNA positions 480 to 499, 20 bases deleted (GGTCATCAGCTTTGACAGAT).
Protein change: p.Val161fs; shifts the reading frame from valine 161.
Molecular consequence: frameshift variant.
Genome position (GRCh38, 1-based): chr1:239,907,931-239,907,950, GGTCATCAGCTTTGACAGAT deleted; deleting any 20 consecutive bases within chr1:239,907,930-239,907,950 gives the same sequence; the c. name uses the placement nearest the transcript's 3' end. VCF-style (leftmost placement, unchanged base first): chr1-239907929-CTGGTCATCAGCTTTGACAGA-C. GRCh37 (hg19) VCF-style: chr1-240071229-CTGGTCATCAGCTTTGACAGA-C.
Other names: c.480_499del, p.Val161fs (NM_000740.4, NM_001347716.2, NM_001375979.1 and 6 more transcripts); short protein forms V161fs.
Identifiers: ClinVar variation 3375478 (VCV003375478.2).
Genomic context (GRCh38, chr1:239,907,929, plus strand): 5'-GCCTGTGACCTCTGGCTTGCCATTGACTACGTAGCCAGCAATGCCTCTGTTATGAATCTT[CTGGTCATCAGCTTTGACAGA>C]TACTTTTCCATCACGAGGCCGCTCACGTACCGAGCCAAACGAACAACAAAGAGAGCCGGT-3'

ClinVar aggregate classification (germline): Likely pathogenic (1 of 4 stars; one submission).

Conditions:
Prune belly syndrome. Also called: Prune belly. Identifiers: Orphanet 2970, MedGen C0033770, MONDO:0007032, OMIM 100100, HP:0004392.

Submission:

Equipe Genetique des Anomalies du Developpement, Université de Bourgogne
Classification: Likely pathogenic for Prune belly syndrome. Last evaluated: 2024-06-06. Review status: criteria provided, single submitter. Criteria: ACMG Guidelines, 2015. Collection method: clinical testing. Allele origin: paternal. Affected: yes.
Comment: c.480_499del is a 20bp deletion predicted to result in a premature codon stop at position 222 and likely results in an absent or disrupted protein product. Variants in CHRM3 are linked to autosomal recessive Prune-Belly syndrome (OMIM 100100) (PMID : 31441039, 22077972). This variant is not present in population database gnomAD (v4.1.0). It has not been reported in ClinVar. It has not been reported in literature. Based on the evidence outlined above, the variant was classified as likely pathogenic.

Literature cited by the submitters: PubMed 31441039; PubMed 22077972.